The following is an entry in ClinVar:

NM_001287.6(CLCN7):c.1127C>T (p.Pro376Leu)

Gene: CLCN7 (Cl-/H+ antiporter 7; minus strand). Cytogenetic location: 16p13.3.
Variant type: single nucleotide variant.
Coding change: c.1127C>T on transcript NM_001287.6 (MANE Select); coding-DNA position 1127, C replaced by T.
Protein change: p.Pro376Leu; replaces proline 376 with leucine.
Molecular consequence: missense variant.
Genome position (GRCh38, 1-based): chr16:1,454,437, G>A on the plus strand (C>T on the coding strand, the complement: CLCN7 is on the minus strand). VCF-style: chr16-1454437-G-A. GRCh37 (hg19) VCF-style: chr16-1504438-G-A.
Other names: c.1055C>T, p.Pro352Leu (NM_001114331.3); short protein forms P352L, P376L.
Identifiers: ClinVar variation 2663264 (VCV002663264.2), dbSNP rs772016816, ClinGen allele CA7810434.

ClinVar aggregate classification (germline): Likely pathogenic (1 of 4 stars; one submission).

Allele frequency attached by ClinVar (database versions not stated): ExAC 0.00002; gnomAD exomes 0.00001; gnomAD 0.00002; TOPMed below 0.00001.
gnomAD v4.1: 16 of 1,613,604 alleles (0.00099%); highest among the groups gnomAD compares: East Asian, 0.0022%; no homozygotes.

Submission:

GeneDx
Classification: Likely pathogenic. Last evaluated: 2025-10-13. Review status: criteria provided, single submitter. Criteria: GeneDx Variant Classification Process June 2021. Collection method: clinical testing. Allele origin: germline.
Comment: Published functional studies demonstrate a damaging effect with reduction of lysosomal localization associated with a strong reduction in total chloride currents (PMID: 33125761); In silico analysis supports that this missense variant has a deleterious effect on protein structure/function; This variant is associated with the following publications: (PMID: 35159175, 33125761, WANG2025[article])